The following is an entry in ClinVar:

NM_001384140.1(PCDH15):c.1943_1944dup (p.Thr649Ter)

Gene: PCDH15 (protocadherin related 15; minus strand). Cytogenetic location: 10q21.1.
Variant type: Duplication.
Coding change: c.1943_1944dup on transcript NM_001384140.1 (MANE Select); coding-DNA positions 1943 to 1944, 2 bases duplicated (TA; older notation c.1943_1944dupTA).
Protein change: p.Thr649Ter; replaces threonine 649 with a stop codon.
Molecular consequence: nonsense. On other transcripts: frameshift variant (1), intron variant (1).
Genome position (GRCh38, 1-based): chr10:54,090,037-54,090,038, TA duplicated on the plus strand (TA on the coding strand, the reverse complement: PCDH15 is on the minus strand); duplicating any 2 consecutive bases within chr10:54,090,037-54,090,039 gives the same sequence; the c. name uses the placement nearest the transcript's 3' end. VCF-style (leftmost placement, unchanged base first): chr10-54090036-T-TTA. GRCh37 (hg19) VCF-style: chr10-55849796-T-TTA.
Other names: c.1958_1959dup, p.Thr654Ter (NM_001142763.2, NM_001142771.2); c.1943_1944dup, p.Thr649Ter (NM_001142764.2, NM_001142766.2, NM_001142770.3 and 5 more transcripts); c.1832_1833dup, p.Thr612Ter (NM_001142767.2); c.1877_1878dup, p.Thr627Ter (NM_001142768.2, NM_001142773.2, NM_001354404.2); c.1978_1979dup, p.Thr661Terfs (NM_001142769.4); c.1964_1965dup, p.Thr656Ter (NM_001354411.2); c.1785-10614_1785-10613dup (NM_001142765.2); short protein forms T654*, T656*, T627*, T649*, T612*, T661*.
Identifiers: ClinVar variation 4728478 (VCV004728478.1).
Genomic context (GRCh38, chr10:54,090,036, plus strand): 5'-TAACTTACGTTTCTGAAAGATTAAAAACTCTCTGAGGATCTCCATTCTCAATGGCATATG[T>TTA]TATTGAGTCTCCCTCTCGATCAGTTGCCTTCAGAGAGAAAACATAATTCAATTATCAAGT-3'

ClinVar aggregate classification (germline): Pathogenic (1 of 4 stars; one submission).

Submission:

Labcorp Genetics (formerly Invitae), Labcorp
Classification: Pathogenic. Last evaluated: 2025-10-05. Review status: criteria provided, single submitter. Criteria: Invitae Variant Classification Sherloc (09022015). Collection method: clinical testing. Allele origin: germline.
Comment: This sequence change creates a premature translational stop signal (p.Thr649*) in the PCDH15 gene. It is expected to result in an absent or disrupted protein product. Loss-of-function variants in PCDH15 are known to be pathogenic (PMID: 11398101, 11487575, 14570705). This variant is not present in population databases (gnomAD no frequency). This variant has not been reported in the literature in individuals affected with PCDH15-related conditions. For these reasons, this variant has been classified as Pathogenic.

Literature cited by the submitters: PubMed 11398101; PubMed 11487575; PubMed 14570705.